The following is an entry in ClinVar:

NM_004560.4(ROR2):c.98-15G>C

Gene: ROR2 (ROR family WNT receptor 2; minus strand). Cytogenetic location: 9q22.31.
Variant type: single nucleotide variant.
Coding change: c.98-15G>C on transcript NM_004560.4 (MANE Select); 15 bases into the intron before coding-DNA position 98, G replaced by C.
Molecular consequence: intron variant.
Genome position (GRCh38, 1-based): chr9:91,775,833, C>G on the plus strand (G>C on the coding strand, the complement: ROR2 is on the minus strand). VCF-style: chr9-91775833-C-G. GRCh37 (hg19) VCF-style: chr9-94538115-C-G.
Other names: c.98-15G>C (NM_001318204.2).
Identifiers: ClinVar variation 159823 (VCV000159823.22), dbSNP rs7863557, ClinGen allele CA173334.
Genomic context (GRCh38, chr9:91,775,833, plus strand): 5'-TCAAGGGGTCCTAAAGGGTCGTTCGGATCCAGAACCTCCACTTCACCTGGGAAAAAGAAA[C>G]CAGGATAGGTATTAAACAAGTTTTCCTTTCAGGAGCCTTTAATTTGCTTCTTATGCAAAG-3'

ClinVar aggregate classification (germline): Benign. Review status: criteria provided, multiple submitters, no conflicts (2 of 4 stars). 10 submissions from 8 submitters: Benign (10). Last evaluated 2026-02-04.

Conditions:
Brachydactyly type B1 (BDB1). Identifiers: Orphanet 572385, Orphanet 93383, MedGen C1862112, MONDO:0007220, OMIM 113000.
Autosomal recessive Robinow syndrome (RRS1). Also called: ROR2-Related Robinow Syndrome; COSTOVERTEBRAL SEGMENTATION DEFECT WITH MESOMELIA; COVESDEM SYNDROME; ROBINOW SYNDROME, AUTOSOMAL RECESSIVE 1. Identifiers: Orphanet 1507, Orphanet 97360, MedGen C5399974, MONDO:0009999, OMIM 268310.

Allele frequency attached by ClinVar (database versions not stated): 1000 Genomes Project 0.19169; 1000 Genomes Project 30x 0.19300; gnomAD exomes 0.22102 and 0.24616; TOPMed 0.22517; gnomAD 0.22751 and 0.22863; ExAC 0.23534; ESP Exome Variant Server 0.24896.
gnomAD v4.1: 394,070 of 1,610,440 alleles (24%); highest among the groups gnomAD compares: Middle Eastern, 38%; 50,607 homozygotes.

Submissions (10):

Labcorp Genetics (formerly Invitae), Labcorp
Classification: Benign. Last evaluated: 2026-02-04. Review status: criteria provided, single submitter. Criteria: Invitae Variant Classification Sherloc (09022015). Collection method: clinical testing. Allele origin: germline.

Blueprint Genetics
Classification: Benign. Last evaluated: 2024-11-27. Review status: criteria provided, single submitter. Criteria: ACMG Guidelines, 2015. Collection method: clinical testing. Allele origin: germline.

Genome-Nilou Lab
Classification: Benign for Brachydactyly type B1. Last evaluated: 2021-11-07. Review status: criteria provided, single submitter. Criteria: ACMG Guidelines, 2015. Collection method: clinical testing. Allele origin: germline. Affected: no.

Genome-Nilou Lab
Classification: Benign for Autosomal recessive Robinow syndrome. Last evaluated: 2021-11-07. Review status: criteria provided, single submitter. Criteria: ACMG Guidelines, 2015. Collection method: clinical testing. Allele origin: germline. Affected: no.

GeneDx
Classification: Benign. Last evaluated: 2018-11-16. Review status: criteria provided, single submitter. Criteria: GeneDx Variant Classification Process June 2021. Collection method: clinical testing. Allele origin: germline. Affected: yes.

Illumina Laboratory Services, Illumina
Classification: Benign for Autosomal recessive Robinow syndrome. Last evaluated: 2018-01-13. Review status: criteria provided, single submitter. Criteria: ICSL Variant Classification Criteria 13 December 2019. Collection method: clinical testing. Allele origin: germline.
Comment: This variant was observed in the ICSL laboratory as part of a predisposition screen in an ostensibly healthy population. It had not been previously curated by ICSL or reported in the Human Gene Mutation Database (HGMD: prior to June 1st, 2018), and was therefore a candidate for classification through an automated scoring system. Utilizing variant allele frequency, disease prevalence and penetrance estimates, and inheritance mode, an automated score was calculated to assess if this variant is too frequent to cause the disease. Based on the score and internal cut-off values, a variant classified as benign is not then subjected to further curation. The score for this variant resulted in a classification of benign for this disease.

Illumina Laboratory Services, Illumina
Classification: Benign for Brachydactyly type B1. Last evaluated: 2018-01-13. Review status: criteria provided, single submitter. Criteria: ICSL Variant Classification Criteria 13 December 2019. Collection method: clinical testing. Allele origin: germline.
Comment: the same text as in the submission from Illumina Laboratory Services, Illumina above.

Genetic Services Laboratory, University of Chicago
Classification: Benign. Last evaluated: 2013-02-08. Review status: criteria provided, single submitter. Criteria: ACMG Guidelines, 2007. Collection method: clinical testing. Allele origin: germline. Inheritance: Autosomal recessive inheritance.

Breakthrough Genomics
Classification: Benign. Review status: criteria provided, single submitter. Criteria: ACMG Guidelines, 2015. Collection method: not provided. Allele origin: germline. Inheritance: Autosomal recessive inheritance. Affected: yes.

PreventionGenetics, part of Exact Sciences
Classification: Benign. Review status: criteria provided, single submitter. Criteria: ACMG Guidelines, 2015. Collection method: clinical testing. Allele origin: germline.